The following is an entry in ClinVar:

NM_001110556.2(FLNA):c.5760C>A (p.Cys1920Ter)

Gene: FLNA (filamin A; minus strand). Cytogenetic location: Xq28.
Variant type: single nucleotide variant.
Coding change: c.5760C>A on transcript NM_001110556.2 (MANE Select); coding-DNA position 5760, C replaced by A.
Protein change: p.Cys1920Ter; replaces cysteine 1920 with a stop codon.
Molecular consequence: nonsense.
Genome position (GRCh38, 1-based): chrX:154,353,654, G>T on the plus strand (C>A on the coding strand, the complement: FLNA is on the minus strand). VCF-style: chrX-154353654-G-T. GRCh37 (hg19) VCF-style: chrX-153582022-G-T.
Other names: c.5736C>A, p.Cys1912Ter (NM_001456.4); short protein forms C1912*, C1920*.
Identifiers: ClinVar variation 856285 (VCV000856285.8), dbSNP rs1359141531, ClinGen allele CA415199593.

ClinVar aggregate classification (germline): Pathogenic (1 of 4 stars; one submission).

Conditions:
Frontometaphyseal dysplasia (FMD1). Identifiers: Orphanet 1826, MedGen C0265293, MONDO:0015942.
Oto-palato-digital syndrome, type II (OPD2). Also called: FACIOPALATOOSSEOUS SYNDROME; OPD II SYNDROME; Otopalatodigital Syndrome, Type II; Otopalatodigital Syndrome Type 2 (FLNA-OPD2). Identifiers: Orphanet 669, Orphanet 90652, MedGen C1844696, MONDO:0010571, OMIM 304120.
Heterotopia, periventricular, X-linked dominant (PVNH1). Also called: PERIVENTRICULAR NODULAR HETEROTOPIA 1; X-linked periventricular heterotopia; PERIVENTRICULAR NODULAR HETEROTOPIA 4; HETEROTOPIA, PERIVENTRICULAR, 1. Identifiers: Orphanet 2149, Orphanet 82004, MedGen C1848213, MONDO:0010233, OMIM 300049.
Melnick-Needles syndrome (MNS). Also called: MELNICK-NEEDLES OSTEODYSPLASTY; OSTEODYSPLASTY OF MELNICK AND NEEDLES; Melnick-Needles Syndrome (FLNA-MNS). Identifiers: Orphanet 2484, MedGen C0025237, MONDO:0010650, OMIM 309350.

Submission:

Labcorp Genetics (formerly Invitae), Labcorp
Classification: Pathogenic for Oto-palato-digital syndrome, type II; Heterotopia, periventricular, X-linked dominant; Frontometaphyseal dysplasia; Melnick-Needles syndrome. Last evaluated: 2019-02-08. Review status: criteria provided, single submitter. Criteria: Invitae Variant Classification Sherloc (09022015). Collection method: clinical testing. Allele origin: germline.
Comment: Loss-of-function variants in FLNA are known to be pathogenic (PMID: 16684786, 20730588, 26471271). For these reasons, this variant has been classified as Pathogenic. This variant has not been reported in the literature in individuals with FLNA-related conditions. This variant is not present in population databases (ExAC no frequency). This sequence change creates a premature translational stop signal (p.Cys1912*) in the FLNA gene. It is expected to result in an absent or disrupted protein product.

Literature cited by the submitters: PubMed 16684786; PubMed 20730588; PubMed 26471271.